The following is an entry in ClinVar:

NM_000310.4(PPT1):c.124G>A (p.Gly42Arg)

Genes: PPT1 (palmitoyl-protein thioesterase 1; minus strand), LOC129930245 (ATAC-STARR-seq lymphoblastoid active region 829; plus strand). Cytogenetic location: 1p34.2.
Variant type: single nucleotide variant.
Coding change: c.124G>A on transcript NM_000310.4 (MANE Select); coding-DNA position 124, G replaced by A.
Protein change: p.Gly42Arg; replaces glycine 42 with arginine.
Molecular consequence: missense variant.
Genome position (GRCh38, 1-based): chr1:40,097,115, C>T on the plus strand (G>A on the coding strand, the complement: PPT1 is on the minus strand). VCF-style: chr1-40097115-C-T. GRCh37 (hg19) VCF-style: chr1-40562787-C-T.
Other names: c.124G>A, p.Gly42Ser (NM_001142604.2); c.124G>A, p.Gly42Arg (NM_001363695.2); short protein forms G42R, G42S.
Identifiers: ClinVar variation 952513 (VCV000952513.10), dbSNP rs1649898946, ClinGen allele CA339850648.

ClinVar aggregate classification (germline): Uncertain significance (1 of 4 stars; one submission).

Conditions:
Neuronal ceroid lipofuscinosis 1 (CLN1). Also called: CEROID LIPOFUSCINOSIS, NEURONAL, 1, VARIABLE AGE AT ONSET; PPT1-Related Neuronal Ceroid-Lipofuscinosis. Identifiers: Orphanet 228329, MedGen C1850451, MONDO:0009744, OMIM 256730.

Submission:

Labcorp Genetics (formerly Invitae), Labcorp
Classification: Uncertain significance for Neuronal ceroid lipofuscinosis 1. Last evaluated: 2019-08-19. Review status: criteria provided, single submitter. Criteria: Invitae Variant Classification Sherloc (09022015). Collection method: clinical testing. Allele origin: germline.
Comment: This sequence change replaces glycine with arginine at codon 42 of the PPT1 protein (p.Gly42Arg). The glycine residue is highly conserved and there is a moderate physicochemical difference between glycine and arginine. This variant also falls at the last nucleotide of exon 1 of the PPT1 coding sequence, which is part of the consensus splice site for this exon. This variant is not present in population databases (ExAC no frequency). This variant has not been reported in the literature in individuals with PPT1-related conditions. Algorithms developed to predict the effect of missense changes on protein structure and function (SIFT, PolyPhen-2, Align-GVGD) all suggest that this variant is likely to be disruptive, but these predictions have not been confirmed by published functional studies and their clinical significance is uncertain. Nucleotide substitutions within the consensus splice site are a relatively common cause of aberrant splicing (PMID: 17576681, 9536098). Algorithms developed to predict the effect of sequence changes on RNA splicing suggest that this variant may disrupt the consensus splice site, but this prediction has not been confirmed by published transcriptional studies. In summary, the available evidence is currently insufficient to determine the role of this variant in disease. Therefore, it has been classified as a Variant of Uncertain Significance.

Literature cited by the submitters: PubMed 17576681; PubMed 9536098.